The following is an entry in ClinVar:

ClinVar aggregate classification (germline): Pathogenic (1 of 4 stars; one submission).

Submission:

GeneDx
Classification: Pathogenic. Last evaluated: 2018-02-01. Review status: criteria provided, single submitter. Criteria: GeneDx Variant Classification (06012015). Collection method: clinical testing. Allele origin: germline. Affected: yes.
Comment: The W221X pathogenic variant in the NF1 gene has not been published as a pathogenic variant, nor has it been reported as a benign variant to our knowledge. This pathogenic variant is predicted to cause loss of normal protein function either through protein truncation or nonsense-mediated mRNA decay. The W221X variant is not observed in large population cohorts (Lek et al., 2016). Based on currently available evidence, we consider W221X to be pathogenic.

NM_001042492.3(NF1):c.663del (p.Phe220_Trp221insTer)

Gene: NF1 (neurofibromin 1; plus strand). Cytogenetic location: 17q11.2.
Variant type: Deletion.
Coding change: c.663del on transcript NM_001042492.3 (MANE Select); coding-DNA position 663, one base deleted (G; older notation c.663delG).
Protein change: p.Phe220_Trp221insTer.
Molecular consequence: nonsense. On other transcripts: frameshift variant (1).
Genome position (GRCh38, 1-based): chr17:31,181,718, G deleted; the last of 2 consecutive G bases (chr17:31,181,717-31,181,718); deleting either gives the same sequence. VCF-style (leftmost placement, unchanged base first): chr17-31181716-TG-T. GRCh37 (hg19) VCF-style: chr17-29508734-TG-T.
Other names: c.663delG (NM_000267.3); c.663delG, p.Trp221Terfs (NM_000267.4); c.663del, p.Phe220_Trp221insTer (NM_001128147.3).
Identifiers: ClinVar variation 504215 (VCV000504215.2), dbSNP rs1555608736, ClinGen allele CA658798745.